The following is an entry in ClinVar:

NM_173689.7(CRB2):c.1430G>A (p.Arg477His)

Gene: CRB2 (crumbs cell polarity complex component 2; plus strand). Cytogenetic location: 9q33.3.
Variant type: single nucleotide variant.
Coding change: c.1430G>A on transcript NM_173689.7 (MANE Select); coding-DNA position 1430, G replaced by A.
Protein change: p.Arg477His; replaces arginine 477 with histidine.
Molecular consequence: missense variant. On other transcripts: non-coding transcript variant (1).
Genome position (GRCh38, 1-based): chr9:123,370,483, G>A. VCF-style: chr9-123370483-G-A. GRCh37 (hg19) VCF-style: chr9-126132762-G-A.
Other names: short protein forms R477H.
Identifiers: ClinVar variation 3361496 (VCV003361496.1).

ClinVar aggregate classification (germline): Uncertain significance (1 of 4 stars; one submission).

Submission:

GeneDx
Classification: Uncertain significance. Last evaluated: 2023-07-22. Review status: criteria provided, single submitter. Criteria: GeneDx Variant Classification Process June 2021. Collection method: clinical testing. Allele origin: germline. Affected: yes.
Comment: Not observed at significant frequency in large population cohorts (gnomAD); In silico analysis supports that this missense variant has a deleterious effect on protein structure/function; Has not been previously published as pathogenic or benign to our knowledge